The following is an entry in ClinVar:

ClinVar aggregate classification (germline): Uncertain significance (1 of 4 stars; one submission).

Submission:

GeneDx
Classification: Uncertain significance. Last evaluated: 2026-03-26. Review status: criteria provided, single submitter. Criteria: GeneDx Variant Classification Process June 2021. Collection method: clinical testing. Allele origin: germline.
Comment: Not observed at significant frequency in large population cohorts (gnomAD); In silico analysis supports that this missense variant has a deleterious effect on protein structure/function; Has not been previously published as pathogenic or benign to our knowledge

NM_001999.4(FBN2):c.4173C>A (p.Phe1391Leu)

Gene: FBN2 (fibrillin 2; minus strand). Cytogenetic location: 5q23.3.
Variant type: single nucleotide variant.
Coding change: c.4173C>A on transcript NM_001999.4 (MANE Select); coding-DNA position 4173, C replaced by A.
Protein change: p.Phe1391Leu; replaces phenylalanine 1391 with leucine.
Molecular consequence: missense variant.
Genome position (GRCh38, 1-based): chr5:128,332,961, G>T on the plus strand (C>A on the coding strand, the complement: FBN2 is on the minus strand). VCF-style: chr5-128332961-G-T. GRCh37 (hg19) VCF-style: chr5-127668653-G-T.
Other names: short protein forms F1391L.
Identifiers: ClinVar variation 5017098 (VCV005017098.1).